The following is an entry in ClinVar:

NM_000169.3(GLA):c.61C>G (p.Leu21Val)

Genes: GLA (galactosidase alpha; minus strand), RPL36A-HNRNPH2 (RPL36A-HNRNPH2 readthrough; plus strand). Cytogenetic location: Xq22.1.
Variant type: single nucleotide variant.
Coding change: c.61C>G on transcript NM_000169.3 (MANE Select); coding-DNA position 61, C replaced by G.
Protein change: p.Leu21Val; replaces leucine 21 with valine.
Molecular consequence: missense variant. On other transcripts: non-coding transcript variant (3), intron variant (2).
Genome position (GRCh38, 1-based): chrX:101,407,843, G>C on the plus strand (C>G on the coding strand, the complement: GLA is on the minus strand). VCF-style: chrX-101407843-G-C. GRCh37 (hg19) VCF-style: chrX-100662831-G-C.
Other names: c.61C>G, p.Leu21Val (NM_001406747.1, NM_001406748.1, NM_001406749.1); c.301-4093G>C (NM_001199973.2); c.178-4093G>C (NM_001199974.2); short protein forms L21V.
Identifiers: ClinVar variation 3281500 (VCV003281500.5).

ClinVar aggregate classification (germline): Uncertain significance. Review status: criteria provided, multiple submitters, no conflicts (2 of 4 stars). 4 submissions from 4 submitters: Uncertain significance (4). Last evaluated 2026-09-08.

Conditions:
Fabry disease. Also called: Fabry's disease; ALPHA-GALACTOSIDASE A DEFICIENCY; ANDERSON-FABRY DISEASE; CERAMIDE TRIHEXOSIDASE DEFICIENCY; GLA DEFICIENCY; HEREDITARY DYSTOPIC LIPIDOSIS. Identifiers: Orphanet 324, MedGen C0002986, MONDO:0010526, OMIM 301500, HP:0001071. Disease mechanism: Fabry disease is due to inactivating mutations in the X-linked GLA gene resulting in deficiency of the enzyme Alpha Galactosidase-A., loss of function.
Cardiovascular phenotype. Identifiers: MedGen CN230736.

Submissions (4):

Genomenon, Inc
Classification: Uncertain significance for Fabry disease. Last evaluated: 2026-09-08. Review status: criteria provided, single submitter. Criteria: Genomenon Sequence Variant Interpretation Standards - Updated. Collection method: curation. Allele origin: germline. Affected: no.
Comment: GLA p.Leu21Val (c.61C>G) is a missense variant that changes the amino acid at codon 21 from Leucine to Valine. This variant has been reported in the published literature (PMID:35928749). It is absent or not present at a significant frequency in gnomAD. In silico models predict that this variant is not damaging. In conclusion, we classify GLA p.Leu21Val (c.61C>G) as a variant of uncertain significance.

Women's Health and Genetics/Laboratory Corporation of America, LabCorp
Classification: Uncertain significance. Last evaluated: 2024-11-22. Review status: criteria provided, single submitter. Criteria: LabCorp Variant Classification Summary - May 2015. Collection method: clinical testing. Allele origin: germline.
Comment: Variant summary: GLA c.61C>G (p.Leu21Val) results in a conservative amino acid change in the encoded protein sequence. Four of five in-silico tools predict a benign effect of the variant on protein function. The variant was absent in 183421 control chromosomes. The available data on variant occurrences in the general population are insufficient to allow any conclusion about variant significance. c.61C>G has been reported in the literature in an individual affected with hypertension and bilateral multiple cortical infarctions in the posterior circulation (Yuan_2022). These report(s) do not provide unequivocal conclusions about association of the variant with Fabry Disease. To our knowledge, no experimental evidence demonstrating an impact on protein function has been reported. The following publication have been ascertained in the context of this evaluation (PMID: 35928749). ClinVar contains an entry for this variant (Variation ID: 3281500). Based on the evidence outlined above, the variant was classified as uncertain significance.

Ambry Genetics
Classification: Uncertain significance for Cardiovascular phenotype. Last evaluated: 2024-06-20. Review status: criteria provided, single submitter. Criteria: Ambry Variant Classification Scheme 2023. Collection method: clinical testing. Allele origin: germline.
Comment: The p.L21V variant (also known as c.61C>G), located in coding exon 1 of the GLA gene, results from a C to G substitution at nucleotide position 61. The leucine at codon 21 is replaced by valine, an amino acid with highly similar properties. This variant has been reported in a cohort of subjects with stroke (Yuan WZ et al. Ann Transl Med, 2022 May;10:512). This amino acid position is well conserved in available vertebrate species. In addition, this alteration is predicted to be tolerated by in silico analysis. Based on the available evidence, the clinical significance of this variant remains unclear.

All of Us Research Program, National Institutes of Health
Classification: Uncertain significance for Fabry disease. Last evaluated: 2024-03-05. Review status: criteria provided, single submitter. Criteria: ACMG Guidelines, 2015. Collection method: clinical testing. Allele origin: germline. Inheritance: X-linked inheritance. Observed: 1 variant allele, 1 heterozygote.
Comment: This study involves interpretation of variants in research participants for the purpose of population health screening. Participant phenotype was not available at the time of variant classification. Additional details can be found in publication PMID: 35346344, PMCID: PMC8962531

Literature cited by the submitters: PubMed 35928749 (cited by 3 submitters).